The following is an entry in ClinVar:

ClinVar aggregate classification (germline): Pathogenic (1 of 4 stars; one submission).

Conditions:
Autosomal recessive nonsyndromic hearing loss 7. Also called: DEAFNESS, AUTOSOMAL RECESSIVE 11. Identifiers: Orphanet 90636, MedGen C1832978, MONDO:0010967, OMIM 600974.

Submission:

Institute of Rare Diseases, West China Hospital, Sichuan University
Classification: Pathogenic for Autosomal recessive nonsyndromic hearing loss 7. Last evaluated: 2025-01-09. Review status: criteria provided, single submitter. Criteria: ClinGen HL ACMG Specifications v1. Collection method: research. Allele origin: germline. Affected: yes.
Comment: PVS1;PM3_Supporting;PM2_Supporting

NM_138691.3(TMC1):c.1154G>A (p.Trp385Ter)

Gene: TMC1 (transmembrane channel like 1; plus strand). Cytogenetic location: 9q21.13.
Variant type: single nucleotide variant.
Coding change: c.1154G>A on transcript NM_138691.3 (MANE Select); coding-DNA position 1154, G replaced by A.
Protein change: p.Trp385Ter; replaces tryptophan 385 with a stop codon.
Molecular consequence: nonsense.
Genome position (GRCh38, 1-based): chr9:72,789,247, G>A. VCF-style: chr9-72789247-G-A. GRCh37 (hg19) VCF-style: chr9-75404163-G-A.
Other names: short protein forms W385*.
Identifiers: ClinVar variation 3601883 (VCV003601883.1).